The following is an entry in ClinVar:

NM_004239.4(TRIP11):c.4557+1G>T

Gene: TRIP11 (thyroid hormone receptor interactor 11; minus strand). Cytogenetic location: 14q32.12.
Variant type: single nucleotide variant.
Coding change: c.4557+1G>T on transcript NM_004239.4 (MANE Select); the canonical splice donor site of the intron after coding-DNA position 4557, G replaced by T.
Molecular consequence: splice donor variant.
Genome position (GRCh38, 1-based): chr14:92,003,418, C>A on the plus strand (G>T on the coding strand, the complement: TRIP11 is on the minus strand). VCF-style: chr14-92003418-C-A. GRCh37 (hg19) VCF-style: chr14-92469762-C-A.
Other names: c.4554+1G>T (NM_001321851.1).
Identifiers: ClinVar variation 522813 (VCV000522813.4), dbSNP rs1555386022, ClinGen allele CA390648628.

ClinVar aggregate classification (germline): Pathogenic (1 of 4 stars; one submission).

Conditions:
Odontochondrodysplasia 1. Identifiers: Orphanet 166272, MedGen C5542277, MONDO:0100325, OMIM 184260.

Submission:

Undiagnosed Diseases Network, NIH
Classification: Pathogenic for Odontochondrodysplasia 1. Last evaluated: 2017-06-09. Review status: criteria provided, single submitter. Criteria: ACMG Guidelines, 2015. Collection method: clinical testing. Allele origin: paternal. Inheritance: Autosomal recessive inheritance. Affected: yes. Observed: 1 variant allele, 1 compound heterozygote. Study: Undiagnosed Diseases Network (NIH), UDN.